The following is an entry in ClinVar:

NM_003742.4(ABCB11):c.3683C>T (p.Ala1228Val)

Gene: ABCB11 (ATP binding cassette subfamily B member 11; minus strand). Cytogenetic location: 2q31.1.
Variant type: single nucleotide variant.
Coding change: c.3683C>T on transcript NM_003742.4 (MANE Select); coding-DNA position 3683, C replaced by T.
Protein change: p.Ala1228Val; replaces alanine 1228 with valine.
Molecular consequence: missense variant.
Genome position (GRCh38, 1-based): chr2:168,924,739, G>A on the plus strand (C>T on the coding strand, the complement: ABCB11 is on the minus strand). VCF-style: chr2-168924739-G-A. GRCh37 (hg19) VCF-style: chr2-169781249-G-A.
Other names: short protein forms A1228V.
Identifiers: ClinVar variation 4777410 (VCV004777410.2).

ClinVar aggregate classification (germline): Uncertain significance. Review status: criteria provided, multiple submitters, no conflicts (2 of 4 stars). 2 submissions from 2 submitters: Uncertain significance (2). Last evaluated 2026-04-14.

Conditions:
Familial intrahepatic cholestasis. Identifiers: Orphanet 284385, MedGen CN296401, MONDO:0017290.

Submissions (2):

Genomenon, Inc
Classification: Uncertain significance for Familial intrahepatic cholestasis. Last evaluated: 2026-04-14. Review status: criteria provided, single submitter. Criteria: Genomenon Sequence Variant Interpretation Standards - Updated. Collection method: curation. Allele origin: germline. Affected: no.
Comment: ABCB11 p.Ala1228Val (c.3683C>T) is a missense variant that changes the amino acid at residue 1228 from Alanine to Valine. This variant has been reported in the published literature (PMID:19101985;14999697;15758645;15975683;17051391). It is absent or not present at a significant frequency in gnomAD. In silico models predict that this variant is possibly or probably damaging. In conclusion, we classify ABCB11 p.Ala1228Val (c.3683C>T) as a variant of uncertain significance.

Labcorp Genetics (formerly Invitae), Labcorp
Classification: Uncertain significance. Last evaluated: 2025-10-04. Review status: criteria provided, single submitter. Criteria: Invitae Variant Classification Sherloc (09022015). Collection method: clinical testing. Allele origin: germline.
Comment: This sequence change replaces alanine, which is neutral and non-polar, with valine, which is neutral and non-polar, at codon 1228 of the ABCB11 protein (p.Ala1228Val). This variant is not present in population databases (gnomAD no frequency). This missense change has been observed in individual(s) with Primary biliary cirrhosis (PMID: 14999697). Invitae Evidence Modeling of protein sequence and biophysical properties (such as structural, functional, and spatial information, amino acid conservation, physicochemical variation, residue mobility, and thermodynamic stability) indicates that this missense variant is expected to disrupt ABCB11 protein function with a positive predictive value of 95%. In summary, the available evidence is currently insufficient to determine the role of this variant in disease. Therefore, it has been classified as a Variant of Uncertain Significance.

Literature cited by the submitters: PubMed 19101985 (cited by Genomenon, Inc); PubMed 14999697 (cited by Genomenon, Inc and Labcorp Genetics (formerly Invitae), Labcorp); PubMed 15758645 (cited by Genomenon, Inc); PubMed 15975683 (cited by Genomenon, Inc); PubMed 17051391 (cited by Genomenon, Inc).